The following is an entry in ClinVar:

ClinVar aggregate classification (germline): Uncertain significance (1 of 4 stars; one submission).

Conditions:
Parkinson disease 17 (PARK17). Also called: VPS35-Related Parkinson Disease. Identifiers: Orphanet 411602, MedGen C3280133, MONDO:0013625, OMIM 614203.

Submission:

Labcorp Genetics (formerly Invitae), Labcorp
Classification: Uncertain significance for Parkinson disease 17. Last evaluated: 2025-11-04. Review status: criteria provided, single submitter. Criteria: Invitae Variant Classification Sherloc (09022015). Collection method: clinical testing. Allele origin: germline.
Comment: This sequence change replaces glycine, which is neutral and non-polar, with glutamic acid, which is acidic and polar, at codon 687 of the VPS35 protein (p.Gly687Glu). This variant is not present in population databases (gnomAD no frequency). This variant has not been reported in the literature in individuals affected with VPS35-related conditions. ClinVar contains an entry for this variant (Variation ID: 1485006). Invitae Evidence Modeling of protein sequence and biophysical properties (such as structural, functional, and spatial information, amino acid conservation, physicochemical variation, residue mobility, and thermodynamic stability) indicates that this missense variant is not expected to disrupt VPS35 protein function with a negative predictive value of 80%. In summary, the available evidence is currently insufficient to determine the role of this variant in disease. Therefore, it has been classified as a Variant of Uncertain Significance.

NM_018206.6(VPS35):c.2060G>A (p.Gly687Glu)

Gene: VPS35 (VPS35 retromer complex component; minus strand). Cytogenetic location: 16q11.2.
Variant type: single nucleotide variant.
Coding change: c.2060G>A on transcript NM_018206.6 (MANE Select); coding-DNA position 2060, G replaced by A.
Protein change: p.Gly687Glu; replaces glycine 687 with glutamic acid.
Molecular consequence: missense variant.
Genome position (GRCh38, 1-based): chr16:46,662,250, C>T on the plus strand (G>A on the coding strand, the complement: VPS35 is on the minus strand). VCF-style: chr16-46662250-C-T. GRCh37 (hg19) VCF-style: chr16-46696162-C-T.
Other names: short protein forms G687E.
Identifiers: ClinVar variation 1485006 (VCV001485006.8), dbSNP rs2143005842, ClinGen allele CA395803225.